The following is an entry in ClinVar:

ClinVar aggregate classification (germline): Uncertain significance. Review status: criteria provided, multiple submitters, no conflicts (2 of 4 stars). 2 submissions from 2 submitters: Uncertain significance (2). Last evaluated 2025-02-07.

Conditions:
Inborn genetic diseases. Identifiers: MedGen C0950123, MeSH D030342.

Allele frequency attached by ClinVar (database versions not stated): ExAC 0.00001; gnomAD exomes 0.00001; TOPMed 0.00004; gnomAD 0.00005.
gnomAD v4.1: 19 of 1,613,628 alleles (0.0012%); highest among the groups gnomAD compares: African/African-American, 0.02%; no homozygotes.

Submissions (2):

Ambry Genetics
Classification: Uncertain significance for Inborn genetic diseases. Last evaluated: 2025-02-07. Review status: criteria provided, single submitter. Criteria: Ambry Variant Classification Scheme 2023. Collection method: clinical testing. Allele origin: germline.

Labcorp Genetics (formerly Invitae), Labcorp
Classification: Uncertain significance. Last evaluated: 2022-06-11. Review status: criteria provided, single submitter. Criteria: Invitae Variant Classification Sherloc (09022015). Collection method: clinical testing. Allele origin: germline.
Comment: This sequence change replaces glycine, which is neutral and non-polar, with glutamic acid, which is acidic and polar, at codon 1229 of the TTC37 protein (p.Gly1229Glu). This variant is present in population databases (rs779827563, gnomAD 0.02%). This variant has not been reported in the literature in individuals affected with TTC37-related conditions. Algorithms developed to predict the effect of missense changes on protein structure and function are either unavailable or do not agree on the potential impact of this missense change (SIFT: "Deleterious"; PolyPhen-2: "Benign"; Align-GVGD: "Class C0"). In summary, the available evidence is currently insufficient to determine the role of this variant in disease. Therefore, it has been classified as a Variant of Uncertain Significance.

NM_014639.4(SKIC3):c.3686G>A (p.Gly1229Glu)

Gene: SKIC3 (SKI3 subunit of superkiller complex; minus strand). Cytogenetic location: 5q15.
Variant type: single nucleotide variant.
Coding change: c.3686G>A on transcript NM_014639.4 (MANE Select); coding-DNA position 3686, G replaced by A.
Protein change: p.Gly1229Glu; replaces glycine 1229 with glutamic acid.
Molecular consequence: missense variant.
Genome position (GRCh38, 1-based): chr5:95,494,968, C>T on the plus strand (G>A on the coding strand, the complement: SKIC3 is on the minus strand). VCF-style: chr5-95494968-C-T. GRCh37 (hg19) VCF-style: chr5-94830672-C-T.
Other names: short protein forms G1229E.
Identifiers: ClinVar variation 1935669 (VCV001935669.3), dbSNP rs779827563, ClinGen allele CA3346636.
Genomic context (GRCh38, chr5:95,494,968, plus strand): 5'-CTTCATCAATATTATTTAATAAATTCAACATTTCCTTTGTACTAGGACAAACTAACCTTT[C>T]CATGATTTGAGTCCAGAATATGAGCCACATTTCCTGCTACAACACCTCCCTAGAACAGAA-3'
Protein context (NP_055454.1, residues 1219-1239): NVAHILDSNH[Gly1229Glu]KKALLYTAVN